The following is an entry in ClinVar:

NM_001204.7(BMPR2):c.1748A>C (p.Asn583Thr)

Gene: BMPR2 (bone morphogenetic protein receptor type 2; plus strand). Cytogenetic location: 2q33.2.
Variant type: single nucleotide variant.
Coding change: c.1748A>C on transcript NM_001204.7 (MANE Select); coding-DNA position 1748, A replaced by C.
Protein change: p.Asn583Thr; replaces asparagine 583 with threonine.
Molecular consequence: missense variant.
Genome position (GRCh38, 1-based): chr2:202,555,413, A>C. VCF-style: chr2-202555413-A-C. GRCh37 (hg19) VCF-style: chr2-203420136-A-C.
Other names: short protein forms N583T.
Identifiers: ClinVar variation 3481369 (VCV003481369.2).

ClinVar aggregate classification (germline): Uncertain significance (1 of 4 stars; one submission).

Conditions:
Inborn genetic diseases. Identifiers: MedGen C0950123, MeSH D030342.

gnomAD v4.1: 1 of 1,614,152 alleles (0.000062%); no homozygotes.

Submission:

Ambry Genetics
Classification: Uncertain significance for Inborn genetic diseases. Last evaluated: 2025-04-18. Review status: criteria provided, single submitter. Criteria: Ambry Variant Classification Scheme 2023. Collection method: clinical testing. Allele origin: germline.
Comment: The p.N583T variant (also known as c.1748A>C), located in coding exon 12 of the BMPR2 gene, results from an A to C substitution at nucleotide position 1748. The asparagine at codon 583 is replaced by threonine, an amino acid with similar properties. This amino acid position is conserved. In addition, the in silico prediction for this alteration is inconclusive. Based on the available evidence, the clinical significance of this variant remains unclear.